The following is an entry in ClinVar:

ClinVar aggregate classification (germline): Uncertain significance (1 of 4 stars; one submission).

Conditions:
Charcot-Marie-Tooth disease type 2R. Also called: Charcot-Marie-Tooth disease, axonal, type 2R; CHARCOT-MARIE-TOOTH NEUROPATHY, TYPE 2R; CHARCOT-MARIE-TOOTH DISEASE, AXONAL, AUTOSOMAL RECESSIVE, TYPE 2R. Identifiers: Orphanet 397968, MedGen C3809655, MONDO:0014208, OMIM 615490.

Allele frequency attached by ClinVar (database versions not stated): gnomAD 0.00001; gnomAD exomes 0.00001; TOPMed 0.00001.
gnomAD v4.1: 8 of 1,613,934 alleles (0.0005%); highest among the groups gnomAD compares: Admixed American, 0.0017%; no homozygotes.

Submission:

Labcorp Genetics (formerly Invitae), Labcorp
Classification: Uncertain significance for Charcot-Marie-Tooth disease type 2R. Last evaluated: 2025-09-17. Review status: criteria provided, single submitter. Criteria: Invitae Variant Classification Sherloc (09022015). Collection method: clinical testing. Allele origin: germline.
Comment: This sequence change replaces asparagine, which is neutral and polar, with serine, which is neutral and polar, at codon 362 of the TRIM2 protein (p.Asn362Ser). This variant is present in population databases (no rsID available, gnomAD 0.002%). This variant has not been reported in the literature in individuals affected with TRIM2-related conditions. ClinVar contains an entry for this variant (Variation ID: 964292). An algorithm developed to predict the effect of missense changes on protein structure and function (PolyPhen-2) suggests that this variant is likely to be tolerated. In summary, the available evidence is currently insufficient to determine the role of this variant in disease. Therefore, it has been classified as a Variant of Uncertain Significance.

NM_015271.5(TRIM2):c.1166A>G (p.Asn389Ser)

Gene: TRIM2 (tripartite motif containing 2; plus strand). Cytogenetic location: 4q31.3.
Variant type: single nucleotide variant.
Coding change: c.1166A>G on transcript NM_015271.5 (MANE Select); coding-DNA position 1166, A replaced by G.
Protein change: p.Asn389Ser; replaces asparagine 389 with serine.
Molecular consequence: missense variant.
Genome position (GRCh38, 1-based): chr4:153,295,692, A>G. VCF-style: chr4-153295692-A-G. GRCh37 (hg19) VCF-style: chr4-154216844-A-G.
Other names: c.1085A>G, p.Asn362Ser (NM_001130067.2, NM_001351056.2, NM_001375512.1 and 5 more transcripts); c.1139A>G, p.Asn380Ser (NM_001351054.2); c.1136A>G, p.Asn379Ser (NM_001351055.2); c.710A>G, p.Asn237Ser (NM_001351057.2); c.1259A>G, p.Asn420Ser (NM_001375488.1); c.1256A>G, p.Asn419Ser (NM_001375489.1); c.1109A>G, p.Asn370Ser (NM_001375490.1); c.1106A>G, p.Asn369Ser (NM_001375491.1); and 3 more; short protein forms N369S, N237S, N362S, N379S, N420S, N277S, N380S, N419S.
Identifiers: ClinVar variation 964292 (VCV000964292.7), dbSNP rs1393756687, ClinGen allele CA358473110.
Genomic context (GRCh38, chr4:153,295,692, plus strand): 5'-AGCCCATGTCCGTCACCATCACCACCAAGGACAAAGACGGTGAGCTGTGCAAAACCGGCA[A>G]CGCCTACCTCACCGCCGAACTGAGCACCCCCGACGGGAGCGTGGCAGACGGGGAGATCCT-3'
Protein context (NP_056086.2, residues 379-399): DKDGELCKTG[Asn389Ser]AYLTAELSTP